The following is an entry in ClinVar:

NM_001754.5(RUNX1):c.805+12723_805+12724del

Gene: RUNX1 (RUNX family transcription factor 1; minus strand). Cytogenetic location: 21q22.12.
Variant type: Microsatellite.
Coding change: c.805+12723_805+12724del on transcript NM_001754.5 (MANE Select); bases 12723 to 12724 of the intron after coding-DNA position 805, 2 bases deleted (CA; older notation c.805+12723_805+12724delCA).
Molecular consequence: intron variant. On other transcripts: frameshift variant (1).
Genome position (GRCh38, 1-based): chr21:34,821,686-34,821,687, TG deleted on the plus strand (CA on the coding strand, the reverse complement: RUNX1 is on the minus strand); deleting any 2 consecutive bases within chr21:34,821,686-34,821,690 gives the same sequence; the c. name uses the placement nearest the transcript's 3' end. VCF-style (leftmost placement, unchanged base first): chr21-34821685-CTG-C. GRCh37 (hg19) VCF-style: chr21-36193982-CTG-C.
Other names: c.734_735del, p.Thr245fs (NM_001122607.2); c.724+12723_724+12724del (NM_001001890.3); short protein forms T245fs.
Identifiers: ClinVar variation 2633732 (VCV002633732.3), dbSNP rs2516968164, ClinGen allele CA2695201440.

ClinVar aggregate classification (germline): Likely benign. Review status: reviewed by expert panel (3 of 4 stars). 2 submissions from 2 submitters: Likely benign (1). 1 of the submissions does not count toward it. Last evaluated 2025-01-15.

Conditions:
RUNX1-related disorder. Also called: RUNX1-related condition.
Hereditary thrombocytopenia and hematologic cancer predisposition syndrome. Identifiers: Orphanet 71290, MedGen CN281654, MONDO:0011071.

Submissions (2):

ClinGen Myeloid Malignancy Variant Curation Expert Panel
Classification: Likely benign for Hereditary thrombocytopenia and hematologic cancer predisposition syndrome. Last evaluated: 2025-01-15. Review status: reviewed by expert panel. Criteria: ClinGen MyeloMalig ACMG Specifications v2. Collection method: curation. Allele origin: germline. Inheritance: Autosomal dominant inheritance.
Comment: NM_001754.5(RUNX1):c.805+12723_805+12724del is an intronic variant which is completely absent from all population databases with at least 20x coverage for RUNX1 (PM2_supporting). This variant has a SpliceAI score ≤ 0.20 (Δ score: 0.00) (BP4), and evolutionary conservation algorithms predict the site as not being conserved (PhyloP score ≤ 2.0 (0.17)) (BP7). In summary, this variant meets criteria to be classified as likely benign. ACMG/AMP criteria applied, as specified by the Myeloid Malignancy Variant Curation Expert Panel for RUNX1: PM2_supporting, BP4, BP7.

PreventionGenetics, part of Exact Sciences
Classification: Uncertain significance for RUNX1-related condition. Last evaluated: 2025-09-30. Review status: criteria provided, single submitter. Criteria: ACMG Guidelines, 2015. Collection method: clinical testing. Allele origin: germline. Not counted in ClinVar's aggregate classification.
Comment: The RUNX1 c.734_735delCA variant is predicted to result in a frameshift and premature protein termination (p.Thr245Serfs*67). Using the canonical transcript (NM_001754), this variant is as referred to as c.805+12723_805+12724delCA, which is not predicted to impact splicing based on available splicing prediction programs (Alamut Visual Plus v1.6.1). To our knowledge, this variant has not been reported in the literature or in gnomAD, indicating this variant is rare. Although we suspect that this variant may be benign, at this time, the clinical significance of this variant is uncertain due to the absence of conclusive functional and genetic evidence.